The following is an entry in ClinVar:

ClinVar aggregate classification (germline): Uncertain significance (1 of 4 stars; one submission).

Conditions:
Ritscher-Schinzel syndrome. Also called: CRANIOCEREBELLOCARDIAC DYSPLASIA. Identifiers: Orphanet 7, MedGen C0796137, MONDO:0019078.
Hereditary spastic paraplegia 8 (SPG8). Also called: SPASTIC PARAPLEGIA 8, AUTOSOMAL DOMINANT. Identifiers: Orphanet 100989, MedGen C1863704, MONDO:0011339, OMIM 603563.

Allele frequency attached by ClinVar (database versions not stated): gnomAD exomes 0.00002; ExAC 0.00001.
gnomAD v4.1: 32 of 1,614,104 alleles (0.002%); highest among the groups gnomAD compares: South Asian, 0.034%; no homozygotes.

Submission:

Labcorp Genetics (formerly Invitae), Labcorp
Classification: Uncertain significance for Ritscher-Schinzel syndrome; Hereditary spastic paraplegia 8. Last evaluated: 2025-02-06. Review status: criteria provided, single submitter. Criteria: Invitae Variant Classification Sherloc (09022015). Collection method: clinical testing. Allele origin: germline.
Comment: This sequence change replaces cysteine, which is neutral and slightly polar, with tyrosine, which is neutral and polar, at codon 1110 of the WASHC5 protein (p.Cys1110Tyr). This variant is present in population databases (rs761053851, gnomAD 0.01%). This variant has not been reported in the literature in individuals affected with WASHC5-related conditions. ClinVar contains an entry for this variant (Variation ID: 841833). Invitae Evidence Modeling of protein sequence and biophysical properties (such as structural, functional, and spatial information, amino acid conservation, physicochemical variation, residue mobility, and thermodynamic stability) indicates that this missense variant is not expected to disrupt WASHC5 protein function with a negative predictive value of 80%. In summary, the available evidence is currently insufficient to determine the role of this variant in disease. Therefore, it has been classified as a Variant of Uncertain Significance.

NM_014846.4(WASHC5):c.3329G>A (p.Cys1110Tyr)

Genes: WASHC5 (WASH complex subunit 5; minus strand), LOC126860498 (P300/CBP strongly-dependent group 1 enhancer GRCh37_chr8:126043836-126045035; plus strand). Cytogenetic location: 8q24.13.
Variant type: single nucleotide variant.
Coding change: c.3329G>A on transcript NM_014846.4 (MANE Select); coding-DNA position 3329, G replaced by A.
Protein change: p.Cys1110Tyr; replaces cysteine 1110 with tyrosine.
Molecular consequence: missense variant.
Genome position (GRCh38, 1-based): chr8:125,032,247, C>T on the plus strand (G>A on the coding strand, the complement: WASHC5 is on the minus strand). VCF-style: chr8-125032247-C-T. GRCh37 (hg19) VCF-style: chr8-126044489-C-T.
Other names: c.2885G>A, p.Cys962Tyr (NM_001330609.2); short protein forms C962Y, C1110Y.
Identifiers: ClinVar variation 841833 (VCV000841833.10), dbSNP rs761053851, ClinGen allele CA4873253.